The following is an entry in ClinVar:

NM_018006.5(TRMU):c.640C>T (p.Gln214Ter)

Gene: TRMU (tRNA mitochondrial 2-thiouridylase; plus strand). Cytogenetic location: 22q13.31.
Variant type: single nucleotide variant.
Coding change: c.640C>T on transcript NM_018006.5 (MANE Select); coding-DNA position 640, C replaced by T.
Protein change: p.Gln214Ter; replaces glutamine 214 with a stop codon.
Molecular consequence: nonsense. On other transcripts: non-coding transcript variant (2).
Genome position (GRCh38, 1-based): chr22:46,350,452, C>T. VCF-style: chr22-46350452-C-T. GRCh37 (hg19) VCF-style: chr22-46746349-C-T.
Other names: c.298C>T, p.Gln100Ter (NM_001282782.2); c.220C>T, p.Gln74Ter (NM_001282783.2, NM_001282784.2); c.640C>T, p.Gln214Ter (NM_001282785.2); short protein forms Q100*, Q214*, Q74*.
Identifiers: ClinVar variation 4884234 (VCV004884234.2).

ClinVar aggregate classification (germline): Likely pathogenic (1 of 4 stars; one submission).

Submission:

Dasa
Classification: Likely pathogenic. Last evaluated: 2025-06-03. Review status: criteria provided, single submitter. Criteria: DASA Assertion Criteria. Collection method: clinical testing. Allele origin: germline.
Comment: NM_018006.5(TRMU):c.640C>T (p.Gln214*) is a nonsense variant in TRMU predicted to introduce a premature termination codon and is predicted to result in an absent or altered protein product. Loss of function is an established disease mechanism for TRMU-associated disorders. Also, this variant is absent from population databases. Based on the currently available evidence, this variant is classified as likely pathogenic.